The following is an entry in ClinVar:

NM_004006.3(DMD):c.3892G>A (p.Gly1298Arg)

Gene: DMD (dystrophin; minus strand). Cytogenetic location: Xp21.1.
Variant type: single nucleotide variant.
Coding change: c.3892G>A on transcript NM_004006.3 (MANE Select); coding-DNA position 3892, G replaced by A.
Protein change: p.Gly1298Arg; replaces glycine 1298 with arginine.
Molecular consequence: missense variant.
Genome position (GRCh38, 1-based): chrX:32,441,209, C>T on the plus strand (G>A on the coding strand, the complement: DMD is on the minus strand). VCF-style: chrX-32441209-C-T. GRCh37 (hg19) VCF-style: chrX-32459326-C-T.
Other names: c.3868G>A, p.Gly1290Arg (NM_000109.4); c.3880G>A, p.Gly1294Arg (NM_004009.3); c.3523G>A, p.Gly1175Arg (NM_004010.3); short protein forms G1298R, G1290R, G1294R, G1175R.
Identifiers: ClinVar variation 222546 (VCV000222546.16), dbSNP rs750349613, ClinGen allele CA076798.

ClinVar aggregate classification (germline): Conflicting classifications of pathogenicity. Review status: criteria provided, conflicting classifications (1 of 4 stars). 4 submissions from 4 submitters: Uncertain significance (2); Benign (1); Likely benign (1). Last evaluated 2026-01-12.

Conditions:
Cardiovascular phenotype. Identifiers: MedGen CN230736.
Duchenne muscular dystrophy (DMD). Also called: MUSCULAR DYSTROPHY, PSEUDOHYPERTROPHIC PROGRESSIVE, DUCHENNE TYPE; Duchenne Muscular Dystrophy (DMD). Identifiers: Orphanet 98896, MedGen C0013264, MONDO:0010679, OMIM 310200.

Allele frequency attached by ClinVar (database versions not stated): gnomAD exomes 0.00006 and 0.00003; ExAC 0.00007; gnomAD 0.00007 and 0.00008; TOPMed 0.00015.
gnomAD v4.1: 44 of 1,207,066 alleles (0.0036%); highest among the groups gnomAD compares: South Asian, 0.023%; no homozygotes.

Submissions (4):

Labcorp Genetics (formerly Invitae), Labcorp
Classification: Benign for Duchenne muscular dystrophy. Last evaluated: 2026-01-12. Review status: criteria provided, single submitter. Criteria: Invitae Variant Classification Sherloc (09022015). Collection method: clinical testing. Allele origin: germline.

Revvity Omics, Revvity
Classification: Uncertain significance. Last evaluated: 2024-12-20. Review status: criteria provided, single submitter. Criteria: ACMG Guidelines, 2015. Collection method: clinical testing. Allele origin: germline.

Ambry Genetics
Classification: Likely benign for Cardiovascular phenotype. Last evaluated: 2021-10-14. Review status: criteria provided, single submitter. Criteria: Ambry Variant Classification Scheme 2023. Collection method: clinical testing. Allele origin: germline.

Laboratory for Molecular Medicine, Mass General Brigham Personalized Medicine
Classification: Uncertain significance. Last evaluated: 2015-04-06. Review status: criteria provided, single submitter. Criteria: LMM Criteria. Collection method: clinical testing. Allele origin: germline. Observed: 1 variant allele.
Comment: The p.Gly1298Arg variant in DMD has not been previously reported in individuals with cardiomyopathy, but has been identified in 6/86977 total chromosomes (4 hem izygotes) by the Exome Aggregation Consortium (ExAC. org). Glycine (Gly) at position 1298 is not highly conserved in mammals or evolu tionarily distant species and the Chinese hamster carries an arginine (Arg), rai sing the possibility that this change may be tolerated. Additional computational prediction tools suggest that the p.Gly1298Arg variant may not impact the prote in, though this information is not predictive enough to rule out pathogenicity. In summary, the clinical significance of the p.Gly1298Arg variant is uncertain.

Literature cited by the submitters: PubMed 28569743 (cited by Ambry Genetics).